The following is an entry in ClinVar:

NM_000051.4(ATM):c.7179T>C (p.Phe2393=)

Genes: ATM (ATM serine/threonine kinase; plus strand), C11orf65 (chromosome 11 open reading frame 65; minus strand). Cytogenetic location: 11q22.3.
Variant type: single nucleotide variant.
Coding change: c.7179T>C on transcript NM_000051.4 (MANE Select); coding-DNA position 7179, T replaced by C.
Protein change: p.Phe2393=; no amino-acid change (phenylalanine 2393 retained).
Molecular consequence: synonymous variant. On other transcripts: intron variant (2).
Genome position (GRCh38, 1-based): chr11:108,329,110, T>C. VCF-style: chr11-108329110-T-C. GRCh37 (hg19) VCF-style: chr11-108199837-T-C.
Other names: c.7179T>C, p.Phe2393= (NM_001351834.2); c.641-20039A>G (NM_001330368.2); c.*38+6110A>G (NM_001351110.2).
Identifiers: ClinVar variation 378953 (VCV000378953.10), dbSNP rs1057520430, ClinGen allele CA16606118.

ClinVar aggregate classification (germline): Likely benign. Review status: criteria provided, multiple submitters, no conflicts (2 of 4 stars). 2 submissions from 2 submitters: Likely benign (2). Last evaluated 2022-10-21.

Conditions:
Ataxia-telangiectasia syndrome (AT). Also called: Ataxia-telangiectasia, complementation group D; Ataxia-telangiectasia, complementation group E; LOUIS-BAR SYNDROME; AT, COMPLEMENTATION GROUP C; ATAXIA-TELANGIECTASIA, COMPLEMENTATION GROUP A; ATAXIA-TELANGIECTASIA, FRESNO VARIANT. Identifiers: Orphanet 100, MedGen C0004135, MONDO:0008840, OMIM 208900.

Submissions (2):

Labcorp Genetics (formerly Invitae), Labcorp
Classification: Likely benign for Ataxia-telangiectasia syndrome. Last evaluated: 2022-10-21. Review status: criteria provided, single submitter. Criteria: Invitae Variant Classification Sherloc (09022015). Collection method: clinical testing. Allele origin: germline.

GeneDx
Classification: Likely benign. Last evaluated: 2016-06-24. Review status: criteria provided, single submitter. Criteria: GeneDx Variant Classification (06012015). Collection method: clinical testing. Allele origin: germline. Affected: yes.
Comment: This variant is considered likely benign or benign based on one or more of the following criteria: it is a conservative change, it occurs at a poorly conserved position in the protein, it is predicted to be benign by multiple in silico algorithms, and/or has population frequency not consistent with disease.